The following is an entry in ClinVar:

NM_000492.4(CFTR):c.1969A>T (p.Arg657Ter)

Gene: CFTR (CF transmembrane conductance regulator; plus strand). Cytogenetic location: 7q31.2.
Variant type: single nucleotide variant.
Coding change: c.1969A>T on transcript NM_000492.4 (MANE Select); coding-DNA position 1969, A replaced by T.
Protein change: p.Arg657Ter; replaces arginine 657 with a stop codon.
Molecular consequence: nonsense.
Genome position (GRCh38, 1-based): chr7:117,592,136, A>T. VCF-style: chr7-117592136-A-T. GRCh37 (hg19) VCF-style: chr7-117232190-A-T.
Other names: R657X; short protein forms R657*.
Identifiers: ClinVar variation 983578 (VCV000983578.4), dbSNP rs1792036190, ClinGen allele CA368979052.
Genomic context (GRCh38, chr7:117,592,136, plus strand): 5'-CAGCCAGACTTTAGCTCAAAACTCATGGGATGTGATTCTTTCGACCAATTTAGTGCAGAA[A>T]GAAGAAATTCAATCCTAACTGAGACCTTACACCGTTTCTCATTAGAAGGAGATGCTCCTG-3'

ClinVar aggregate classification (germline): Pathogenic/Likely pathogenic. Review status: criteria provided, multiple submitters, no conflicts (2 of 4 stars). 2 submissions from 2 submitters: Pathogenic (1); Likely pathogenic (1). Last evaluated 2022-09-05.

Conditions:
Cystic fibrosis (CF). Also called: MUCOVISCIDOSIS. Identifiers: Orphanet 586, MedGen C0010674, MONDO:0009061, OMIM 219700. Disease mechanism: loss of function.

Submissions (2):

Institute of Human Genetics, University of Leipzig Medical Center
Classification: Pathogenic for Cystic fibrosis. Last evaluated: 2022-09-05. Review status: criteria provided, single submitter. Criteria: ACMG Guidelines, 2015. Collection method: curation. Allele origin: unknown. Affected: yes. Observed: 1 variant allele.
Comment: The variant was classified in the context of a project re-classifying variants in the German Cystic Fibrosis Registry (Muko.e.V.). Criteria applied: PVS1, PM2_SUP, PP4

Myriad Genetics, Inc.
Classification: Likely pathogenic for Cystic fibrosis. Last evaluated: 2019-03-30. Review status: criteria provided, single submitter. Criteria: Myriad Women's Health Autosomal Recessive and X-Linked Classification Criteria (2019). Collection method: clinical testing. Allele origin: unknown.
Comment: NM_000492.3(CFTR):c.1969A>T(R657*) is expected to be pathogenic in the context of cystic fibrosis. This variant is predicted to lead to an abnormal or absent protein product due to the creation of a premature termination codon in CFTR, a gene where loss-of-function variants are known to be pathogenic. Please note: this variant was assessed in the context of healthy population screening.